The following is an entry in ClinVar:

NM_203446.3(SYNJ1):c.*54T>G

Gene: SYNJ1 (synaptojanin 1; minus strand). Cytogenetic location: 21q22.11.
Variant type: single nucleotide variant.
Coding change: c.*54T>G on transcript NM_203446.3 (MANE Select); 54 bases downstream of the stop codon, T replaced by G.
Molecular consequence: 3 prime UTR variant. On other transcripts: missense variant (2).
Genome position (GRCh38, 1-based): chr21:32,631,751, A>C on the plus strand (T>G on the coding strand, the complement: SYNJ1 is on the minus strand). VCF-style: chr21-32631751-A-C. GRCh37 (hg19) VCF-style: chr21-34004061-A-C.
Other names: c.*54T>G (NM_001160302.2); c.3825T>G, p.Ile1275Met (NM_001160306.2); c.4083T>G, p.Ile1361Met (NM_003895.4); short protein forms I1361M, I1275M.
Identifiers: ClinVar variation 1990909 (VCV001990909.4), dbSNP rs763905079, ClinGen allele CA10003181.
Genomic context (GRCh38, chr21:32,631,751, plus strand): 5'-AACAGATAGCTGAGCCTTTGATACAGCAAGCAGATTAAATGACAGATCTTCAAATGGGTC[A>C]ATCTTTAATGGTGATTCTCTTTTGCCATCAGAGATTCCATTTGTTTTTACCTGCAAAAGA-3'

ClinVar aggregate classification (germline): Uncertain significance (1 of 4 stars; one submission).

Conditions:
Developmental and epileptic encephalopathy, 53. Also called: Epileptic encephalopathy, early infantile, 53. Identifiers: MedGen C4479313, MONDO:0033362, OMIM 617389.
Early-onset Parkinson disease 20. Also called: PARKINSON DISEASE 20, AUTOSOMAL RECESSIVE EARLY-ONSET. Identifiers: Orphanet 391411, MedGen C3809824, MONDO:0014233, OMIM 615530.

Allele frequency attached by ClinVar (database versions not stated): gnomAD exomes below 0.00001; ExAC 0.00001; gnomAD 0.00001; TOPMed 0.00005.
gnomAD v4.1: 5 of 1,614,046 alleles (0.00031%); highest among the groups gnomAD compares: East Asian, 0.011%; no homozygotes.

Submission:

Labcorp Genetics (formerly Invitae), Labcorp
Classification: Uncertain significance for Developmental and epileptic encephalopathy, 53; Early-onset Parkinson disease 20. Last evaluated: 2022-05-04. Review status: criteria provided, single submitter. Criteria: Invitae Variant Classification Sherloc (09022015). Collection method: clinical testing. Allele origin: germline.
Comment: This variant has not been reported in the literature in individuals affected with SYNJ1-related conditions. Algorithms developed to predict the effect of missense changes on protein structure and function (SIFT, PolyPhen-2, Align-GVGD) all suggest that this variant is likely to be tolerated. In summary, the available evidence is currently insufficient to determine the role of this variant in disease. Therefore, it has been classified as a Variant of Uncertain Significance. This variant is present in population databases (rs763905079, gnomAD 0.02%). This sequence change replaces isoleucine, which is neutral and non-polar, with methionine, which is neutral and non-polar, at codon 1361 of the SYNJ1 protein (p.Ile1361Met).